The following is an entry in ClinVar:

ClinVar aggregate classification (germline): Likely pathogenic (1 of 4 stars; one submission).

Conditions:
Epilepsy, childhood absence, susceptibility to, 5. Identifiers: Orphanet 64280, MedGen C2677087, MONDO:0012843, OMIM 612269.
Epilepsy, childhood absence, susceptibility to, 1. Also called: Epilepsy, childhood absence 1. Identifiers: Orphanet 64280, MedGen C1838604, MONDO:0020759, OMIM 600131.

Submission:

Labcorp Genetics (formerly Invitae), Labcorp
Classification: Likely pathogenic for Epilepsy, childhood absence, susceptibility to, 5; Epilepsy, childhood absence, susceptibility to, 1. Last evaluated: 2026-01-21. Review status: criteria provided, single submitter. Criteria: Invitae Variant Classification Sherloc (09022015). Collection method: clinical testing. Allele origin: germline.
Comment: This sequence change affects an acceptor splice site in intron 5 of the GABRB3 gene. It is expected to disrupt RNA splicing. Variants that disrupt the donor or acceptor splice site typically lead to a loss of protein function (PMID: 16199547), and loss-of-function variants in GABRB3 are known to be pathogenic (PMID: 26950270, 28053010). This variant is not present in population databases (gnomAD no frequency). Disruption of this splice site has been observed in individual(s) with GABRB3-related conditions (internal data). ClinVar contains an entry for this variant (Variation ID: 2941600). Algorithms developed to predict the effect of sequence changes on RNA splicing suggest that this variant may disrupt the consensus splice site. In summary, the currently available evidence indicates that the variant is pathogenic, but additional data are needed to prove that conclusively. Therefore, this variant has been classified as Likely Pathogenic.

Literature cited by the submitters: PubMed 16199547; PubMed 26950270; PubMed 28053010.

NM_000814.6(GABRB3):c.545-2A>G

Gene: GABRB3 (gamma-aminobutyric acid type A receptor subunit beta3; minus strand). Cytogenetic location: 15q12.
Variant type: single nucleotide variant.
Coding change: c.545-2A>G on transcript NM_000814.6 (MANE Select); the canonical splice acceptor site of the intron before coding-DNA position 545, A replaced by G.
Molecular consequence: splice acceptor variant.
Genome position (GRCh38, 1-based): chr15:26,580,458, T>C on the plus strand (A>G on the coding strand, the complement: GABRB3 is on the minus strand). VCF-style: chr15-26580458-T-C. GRCh37 (hg19) VCF-style: chr15-26825605-T-C.
Other names: c.545-2A>G (NM_021912.5); c.290-2A>G (NM_001278631.2, NM_001191320.2); c.332-2A>G (NM_001191321.3).
Identifiers: ClinVar variation 2941600 (VCV002941600.3), dbSNP rs2504205459, ClinGen allele CA391464267.
Genomic context (GRCh38, chr15:26,580,458, plus strand): 5'-GGTAACAGCCTTGTCCCCGCCTCGCCAGTAAAACTCAATGTCATCCGTGGTGTAGCCATC[T>C]GCCAAGAGAGAAGCAGGGAGACAGCAAACATCACCATTTCGTATAAATGCACGGCTAAAT-3'